The following is an entry in ClinVar:

NM_015662.3(IFT172):c.1693-1G>A

Gene: IFT172 (intraflagellar transport 172; minus strand). Cytogenetic location: 2p23.3.
Variant type: single nucleotide variant.
Coding change: c.1693-1G>A on transcript NM_015662.3 (MANE Select); the canonical splice acceptor site of the intron before coding-DNA position 1693, G replaced by A.
Molecular consequence: splice acceptor variant.
Genome position (GRCh38, 1-based): chr2:27,465,883, C>T on the plus strand (G>A on the coding strand, the complement: IFT172 is on the minus strand). VCF-style: chr2-27465883-C-T. GRCh37 (hg19) VCF-style: chr2-27688750-C-T.
Other names: c.1627-1G>A (NM_001410739.1).
Identifiers: ClinVar variation 2017656 (VCV002017656.4), dbSNP rs780210480, ClinGen allele CA346387630.
Genomic context (GRCh38, chr2:27,465,883, plus strand): 5'-ACCTTCCATCACCATCACCTCGGTCTTTCCCCCGCCCCGCTCCAGACCTATAACATCACC[C>T]TGTAAAAGTTTATCCCCCAACCCACCCCAATTTCAGGTTAGTTTCCACTGAATCAATTAT-3'

ClinVar aggregate classification (germline): Likely pathogenic (1 of 4 stars; one submission).

Conditions:
Short-rib thoracic dysplasia 10 with or without polydactyly (SRTD10). Identifiers: Orphanet 474, MedGen C3810175, MONDO:0014284, OMIM 615630.
Retinitis pigmentosa 71 (RP71). Identifiers: Orphanet 791, MedGen C4225342, MONDO:0014618, OMIM 616394.

gnomAD v4.1: 6 of 1,614,088 alleles (0.00037%); highest among the groups gnomAD compares: Non-Finnish European, 0.00051%; no homozygotes.

Submission:

Labcorp Genetics (formerly Invitae), Labcorp
Classification: Likely pathogenic for Retinitis pigmentosa 71; Short-rib thoracic dysplasia 10 with or without polydactyly. Last evaluated: 2022-07-24. Review status: criteria provided, single submitter. Criteria: Invitae Variant Classification Sherloc (09022015). Collection method: clinical testing. Allele origin: germline.
Comment: This variant is present in population databases (no rsID available, gnomAD 0.0009%). This sequence change affects an acceptor splice site in intron 16 of the IFT172 gene. It is expected to disrupt RNA splicing. Variants that disrupt the donor or acceptor splice site typically lead to a loss of protein function (PMID: 16199547), and loss-of-function variants in IFT172 are known to be pathogenic (PMID: 24140113). This variant has not been reported in the literature in individuals affected with IFT172-related conditions. In summary, the currently available evidence indicates that the variant is pathogenic, but additional data are needed to prove that conclusively. Therefore, this variant has been classified as Likely Pathogenic. Algorithms developed to predict the effect of sequence changes on RNA splicing suggest that this variant may disrupt the consensus splice site.

Literature cited by the submitters: PubMed 16199547; PubMed 24140113.